The following is an entry in ClinVar:

ClinVar aggregate classification (germline): Uncertain significance (1 of 4 stars; one submission).

Submission:

Labcorp Genetics (formerly Invitae), Labcorp
Classification: Uncertain significance. Last evaluated: 2022-07-09. Review status: criteria provided, single submitter. Criteria: Invitae Variant Classification Sherloc (09022015). Collection method: clinical testing. Allele origin: germline.
Comment: Algorithms developed to predict the effect of missense changes on protein structure and function are either unavailable or do not agree on the potential impact of this missense change (SIFT: "Tolerated"; PolyPhen-2: "Possibly Damaging"; Align-GVGD: "Class C0"). Algorithms developed to predict the effect of sequence changes on RNA splicing suggest that this variant may disrupt the consensus splice site. In summary, the available evidence is currently insufficient to determine the role of this variant in disease. Therefore, it has been classified as a Variant of Uncertain Significance. ClinVar contains an entry for this variant (Variation ID: 1518673). This sequence change replaces threonine, which is neutral and polar, with proline, which is neutral and non-polar, at codon 4926 of the USH2A protein (p.Thr4926Pro). This variant is not present in population databases (gnomAD no frequency). This variant has not been reported in the literature in individuals affected with USH2A-related conditions.

NM_206933.4(USH2A):c.14776A>C (p.Thr4926Pro)

Gene: USH2A (usherin; minus strand). Cytogenetic location: 1q41.
Variant type: single nucleotide variant.
Coding change: c.14776A>C on transcript NM_206933.4 (MANE Select); coding-DNA position 14776, A replaced by C.
Protein change: p.Thr4926Pro; replaces threonine 4926 with proline.
Molecular consequence: missense variant.
Genome position (GRCh38, 1-based): chr1:215,647,537, T>G on the plus strand (A>C on the coding strand, the complement: USH2A is on the minus strand). VCF-style: chr1-215647537-T-G. GRCh37 (hg19) VCF-style: chr1-215820879-T-G.
Other names: short protein forms T4926P.
Identifiers: ClinVar variation 1518673 (VCV001518673.6), dbSNP rs2102642050, ClinGen allele CA344830766.